The following is an entry in ClinVar:

NM_001845.6(COL4A1):c.3506G>T (p.Gly1169Val)

Gene: COL4A1 (collagen type IV alpha 1 chain; minus strand). Cytogenetic location: 13q34.
Variant type: single nucleotide variant.
Coding change: c.3506G>T on transcript NM_001845.6 (MANE Select); coding-DNA position 3506, G replaced by T.
Protein change: p.Gly1169Val; replaces glycine 1169 with valine.
Molecular consequence: missense variant.
Genome position (GRCh38, 1-based): chr13:110,172,770, C>A on the plus strand (G>T on the coding strand, the complement: COL4A1 is on the minus strand). VCF-style: chr13-110172770-C-A. GRCh37 (hg19) VCF-style: chr13-110825117-C-A.
Other names: short protein forms G1169V.
Identifiers: ClinVar variation 4531444 (VCV004531444.1).

ClinVar aggregate classification (germline): Likely pathogenic (1 of 4 stars; one submission).

Conditions:
COL4A1-related disorder. Also called: COL4A1-related disorders; COL4A1-related condition. Identifiers: MedGen CN376119, MONDO:0800461.

Submission:

Victorian Clinical Genetics Services, Murdoch Childrens Research Institute
Classification: Likely pathogenic for COL4A1-related disorder. Last evaluated: 2025-09-04. Review status: criteria provided, single submitter. Criteria: ACMG Guidelines, 2015. Collection method: clinical testing. Allele origin: germline. Affected: yes.
Comment: This variant is classified as Likely pathogenic. Evidence in support of pathogenic classification: Variant is absent from gnomAD (v2, v3 and v4); Variant is located in the well-established functional collagen domain and affects a glycine residue in the Gly-X-Y motif (DECIPHER); Missense variant predicted to be damaging by in silico tool(s) or highly conserved with a major amino acid change. Additional information: Variant is predicted to result in a missense amino acid change from Gly to Val. This variant affects the last nucleotide of the exon and may alter canonical splicing. - This variant is heterozygous; This gene is associated with autosomal dominant disease; This variant has no previous evidence of pathogenicity; No published evidence of segregation with disease has been identified for this variant; No published functional evidence has been identified for this variant; No comparable missense variants have previous evidence for pathogenicity; Loss of function is a known mechanism of disease in this gene and is associated with COL4A1-related disorder (MONDO:0800461). Glycine substitutions affecting the Gly-X-Y repeat motif are known to have a dominant-negative mechanism of disease in other collagen genes, but conclusive functional evidence of a dominant-negative mechanism in this gene is not available (PMID: 16159887, 1867713, 23225343); The condition associated with this gene has incomplete penetrance (PMID: 21625620, 30413629); Variants in this gene are known to have variable expressivity. Broad intra and interfamilial variation has been described in a number of affected families (PMID: 25719457); Inheritance information for this variant is not currently available in this individual.

Literature cited by the submitters: PubMed 23225343; PubMed 30413629; PubMed 1867713; PubMed 16159887; PubMed 25719457; PubMed 21625620.